The following is an entry in ClinVar:

NM_182914.3(SYNE2):c.11410A>G (p.Thr3804Ala)

Gene: SYNE2 (spectrin repeat containing nuclear envelope protein 2; plus strand). Cytogenetic location: 14q23.2.
Variant type: single nucleotide variant.
Coding change: c.11410A>G on transcript NM_182914.3 (MANE Select); coding-DNA position 11410, A replaced by G.
Protein change: p.Thr3804Ala; replaces threonine 3804 with alanine.
Molecular consequence: missense variant.
Genome position (GRCh38, 1-based): chr14:64,081,506, A>G. VCF-style: chr14-64081506-A-G. GRCh37 (hg19) VCF-style: chr14-64548224-A-G.
Other names: c.11410A>G, p.Thr3804Ala (NM_015180.6); short protein forms T3804A.
Identifiers: ClinVar variation 2181423 (VCV002181423.4), dbSNP rs755510777, ClinGen allele CA7221774.

ClinVar aggregate classification (germline): Uncertain significance (1 of 4 stars; one submission).

Conditions:
Emery-Dreifuss muscular dystrophy 5, autosomal dominant (EDMD5). Also called: EMERY-DREIFUSS MUSCULAR DYSTROPHY 5. Identifiers: Orphanet 261, MedGen C2751805, MONDO:0013072, OMIM 612999.

Allele frequency attached by ClinVar (database versions not stated): gnomAD exomes below 0.00001; ExAC 0.00001.
gnomAD v4.1: 3 of 1,614,192 alleles (0.00019%); highest among the groups gnomAD compares: Non-Finnish European, 0.00025%; no homozygotes.

Submission:

Labcorp Genetics (formerly Invitae), Labcorp
Classification: Uncertain significance for Emery-Dreifuss muscular dystrophy 5, autosomal dominant. Last evaluated: 2022-05-03. Review status: criteria provided, single submitter. Criteria: Invitae Variant Classification Sherloc (09022015). Collection method: clinical testing. Allele origin: germline.
Comment: This sequence change replaces threonine, which is neutral and polar, with alanine, which is neutral and non-polar, at codon 3804 of the SYNE2 protein (p.Thr3804Ala). In summary, the available evidence is currently insufficient to determine the role of this variant in disease. Therefore, it has been classified as a Variant of Uncertain Significance. Algorithms developed to predict the effect of missense changes on protein structure and function are either unavailable or do not agree on the potential impact of this missense change (SIFT: "Tolerated"; PolyPhen-2: "Probably Damaging"; Align-GVGD: "Class C0"). This variant has not been reported in the literature in individuals affected with SYNE2-related conditions. This variant is present in population databases (rs755510777, gnomAD 0.0009%).